The following is an entry in ClinVar:

NM_030662.4(MAP2K2):c.359A>G (p.Gln120Arg)

Gene: MAP2K2 (mitogen-activated protein kinase kinase 2; minus strand). Cytogenetic location: 19p13.3.
Variant type: single nucleotide variant.
Coding change: c.359A>G on transcript NM_030662.4 (MANE Select); coding-DNA position 359, A replaced by G.
Protein change: p.Gln120Arg; replaces glutamine 120 with arginine.
Molecular consequence: missense variant.
Genome position (GRCh38, 1-based): chr19:4,110,600, T>C on the plus strand (A>G on the coding strand, the complement: MAP2K2 is on the minus strand). VCF-style: chr19-4110600-T-C. GRCh37 (hg19) VCF-style: chr19-4110598-T-C.
Other names: short protein forms Q120R.
Identifiers: ClinVar variation 4051189 (VCV004051189.2).
Genomic context (GRCh38, chr19:4,110,600, plus strand): 5'-TCACTGTAGAAGGCCCCGTAGAAGCCCACGATGTACGGCGAGTTGCATTCGTGCAGGACC[T>C]GCAGCTCGCGGATGATCTGGTTCCGGATGGCCGGCTTGATCTCAAGGTGGATCAGCTGCA-3'
Protein context (NP_109587.1, residues 110-130): AIRNQIIREL[Gln120Arg]VLHECNSPYI

ClinVar aggregate classification (germline): Uncertain significance. Review status: criteria provided, multiple submitters, no conflicts (2 of 4 stars). 2 submissions from 2 submitters: Uncertain significance (2). Last evaluated 2026-01-14.

Conditions:
RASopathy. Also called: Noonan spectrum disorder; rasopathies. Identifiers: Orphanet 536391, MedGen C5555857, MONDO:0021060.
Cardiovascular phenotype. Identifiers: MedGen CN230736.

Submissions (2):

Labcorp Genetics (formerly Invitae), Labcorp
Classification: Uncertain significance for RASopathy. Last evaluated: 2026-01-14. Review status: criteria provided, single submitter. Criteria: Invitae Variant Classification Sherloc (09022015). Collection method: clinical testing. Allele origin: germline.
Comment: This sequence change replaces glutamine, which is neutral and polar, with arginine, which is basic and polar, at codon 120 of the MAP2K2 protein (p.Gln120Arg). This variant is not present in population databases (gnomAD no frequency). This variant has not been reported in the literature in individuals affected with MAP2K2-related conditions. ClinVar contains an entry for this variant (Variation ID: 4051189). Invitae Evidence Modeling of protein sequence and biophysical properties (such as structural, functional, and spatial information, amino acid conservation, physicochemical variation, residue mobility, and thermodynamic stability) indicates that this missense variant is not expected to disrupt MAP2K2 protein function with a negative predictive value of 95%. In summary, the available evidence is currently insufficient to determine the role of this variant in disease. Therefore, it has been classified as a Variant of Uncertain Significance.

Ambry Genetics
Classification: Uncertain significance for Cardiovascular phenotype. Last evaluated: 2025-05-24. Review status: criteria provided, single submitter. Criteria: Ambry Variant Classification Scheme 2023. Collection method: clinical testing. Allele origin: germline.
Comment: The p.Q120R variant (also known as c.359A>G), located in coding exon 3 of the MAP2K2 gene, results from an A to G substitution at nucleotide position 359. The glutamine at codon 120 is replaced by arginine, an amino acid with highly similar properties. This amino acid position is conserved. In addition, the in silico prediction for this alteration is inconclusive. Based on the available evidence, the clinical significance of this variant remains unclear.